The following is an entry in ClinVar:

ClinVar aggregate classification (germline): Uncertain significance (1 of 4 stars; one submission).

Allele frequency attached by ClinVar (database versions not stated): ExAC 0.00001.
gnomAD v4.1: 1 of 1,613,836 alleles (0.000062%); highest among the groups gnomAD compares: South Asian, 0.0011%; no homozygotes.

Submission:

Labcorp Genetics (formerly Invitae), Labcorp
Classification: Uncertain significance. Last evaluated: 2022-08-10. Review status: criteria provided, single submitter. Criteria: Invitae Variant Classification Sherloc (09022015). Collection method: clinical testing. Allele origin: germline.
Comment: This variant has not been reported in the literature in individuals affected with RNF43-related conditions. In summary, the available evidence is currently insufficient to determine the role of this variant in disease. Therefore, it has been classified as a Variant of Uncertain Significance. Algorithms developed to predict the effect of missense changes on protein structure and function output the following: SIFT: "Tolerated"; PolyPhen-2: "Benign"; Align-GVGD: "Class C0". The isoleucine amino acid residue is found in multiple mammalian species, which suggests that this missense change does not adversely affect protein function. This variant is present in population databases (rs770023953, gnomAD 0.003%). This sequence change replaces valine, which is neutral and non-polar, with isoleucine, which is neutral and non-polar, at codon 287 of the RNF43 protein (p.Val287Ile).

NM_017763.6(RNF43):c.859G>A (p.Val287Ile)

Gene: RNF43 (ring finger protein 43; minus strand). Cytogenetic location: 17q22.
Variant type: single nucleotide variant.
Coding change: c.859G>A on transcript NM_017763.6 (MANE Select); coding-DNA position 859, G replaced by A.
Protein change: p.Val287Ile; replaces valine 287 with isoleucine.
Molecular consequence: missense variant.
Genome position (GRCh38, 1-based): chr17:58,360,242, C>T on the plus strand (G>A on the coding strand, the complement: RNF43 is on the minus strand). VCF-style: chr17-58360242-C-T. GRCh37 (hg19) VCF-style: chr17-56437603-C-T.
Other names: c.859G>A, p.Val287Ile (NM_001305544.3); c.478G>A, p.Val160Ile (NM_001305545.2); short protein forms V160I, V287I.
Identifiers: ClinVar variation 2104164 (VCV002104164.4), dbSNP rs770023953, ClinGen allele CA8673273.
Genomic context (GRCh38, chr17:58,360,242, plus strand): 5'-GATGCTGATGTAACCAGGGGTCCACACAGTTACGATGGAACTCATGGAGGCAGGAAATGA[C>T]CCGTAGCTCCTGGAGAAAAAGAGGGGGTCCAAACCAAAGGCTTCTGTAGCCATAGGAATT-3'
Protein context (NP_060233.3, residues 277-297): EEFSEGQELR[Val287Ile]ISCLHEFHRN